The following is an entry in ClinVar:

NM_005984.5(SLC25A1):c.322C>T (p.Leu108Phe)

Gene: SLC25A1 (solute carrier family 25 member 1; minus strand). Cytogenetic location: 22q11.21.
Variant type: single nucleotide variant.
Coding change: c.322C>T on transcript NM_005984.5 (MANE Select); coding-DNA position 322, C replaced by T.
Protein change: p.Leu108Phe; replaces leucine 108 with phenylalanine.
Molecular consequence: missense variant.
Genome position (GRCh38, 1-based): chr22:19,177,846, G>A on the plus strand (C>T on the coding strand, the complement: SLC25A1 is on the minus strand). VCF-style: chr22-19177846-G-A. GRCh37 (hg19) VCF-style: chr22-19165359-G-A.
Other names: c.343C>T, p.Leu115Phe (NM_001256534.2); c.13C>T, p.Leu5Phe (NM_001287387.2); short protein forms L108F, L115F, L5F.
Identifiers: ClinVar variation 1055817 (VCV001055817.9), dbSNP rs2146146454, ClinGen allele CA410639649.

ClinVar aggregate classification (germline): Uncertain significance (1 of 4 stars; one submission).

Allele frequency attached by ClinVar (database versions not stated): gnomAD exomes below 0.00001.
gnomAD v4.1: 6 of 1,609,376 alleles (0.00037%); highest among the groups gnomAD compares: Non-Finnish European, 0.00051%; no homozygotes.

Submission:

Labcorp Genetics (formerly Invitae), Labcorp
Classification: Uncertain significance. Last evaluated: 2023-12-07. Review status: criteria provided, single submitter. Criteria: Invitae Variant Classification Sherloc (09022015). Collection method: clinical testing. Allele origin: germline.
Comment: This sequence change replaces leucine, which is neutral and non-polar, with phenylalanine, which is neutral and non-polar, at codon 108 of the SLC25A1 protein (p.Leu108Phe). This variant is not present in population databases (gnomAD no frequency). This variant has not been reported in the literature in individuals affected with SLC25A1-related conditions. ClinVar contains an entry for this variant (Variation ID: 1055817). Advanced modeling of protein sequence and biophysical properties (such as structural, functional, and spatial information, amino acid conservation, physicochemical variation, residue mobility, and thermodynamic stability) performed at Invitae indicates that this missense variant is not expected to disrupt SLC25A1 protein function with a negative predictive value of 80%. In summary, the available evidence is currently insufficient to determine the role of this variant in disease. Therefore, it has been classified as a Variant of Uncertain Significance.